The following is an entry in ClinVar:

NM_004970.3(IGFALS):c.-53A>G

Gene: IGFALS (insulin like growth factor binding protein acid labile subunit; minus strand). Cytogenetic location: 16p13.3.
Variant type: single nucleotide variant.
Coding change: c.-53A>G on transcript NM_004970.3 (MANE Select); 53 bases upstream of the start codon, A replaced by G.
Molecular consequence: 5 prime UTR variant.
Genome position (GRCh38, 1-based): chr16:1,793,705, T>C on the plus strand (A>G on the coding strand, the complement: IGFALS is on the minus strand). VCF-style: chr16-1793705-T-C. GRCh37 (hg19) VCF-style: chr16-1843706-T-C.
Other names: c.-53A>G (NM_001146006.2).
Identifiers: ClinVar variation 318275 (VCV000318275.5), dbSNP rs532454210, ClinGen allele CA10647126.

ClinVar aggregate classification (germline): Likely benign (1 of 4 stars; one submission).

Conditions:
Short stature due to primary acid-labile subunit deficiency. Also called: Acid-labile subunit deficiency; Acid-labile subunit, deficiency of. Identifiers: Orphanet 140941, MedGen C3900122, MONDO:0014420, OMIM 615961.

Allele frequency attached by ClinVar (database versions not stated): TOPMed 0.00031; 1000 Genomes Project 0.00060; 1000 Genomes Project 30x 0.00062.
gnomAD v4.1: 87 of 1,542,634 alleles (0.0056%); highest among the groups gnomAD compares: East Asian, 0.16%; no homozygotes.

Submission:

Illumina Laboratory Services, Illumina
Classification: Likely benign for Short stature due to primary acid-labile subunit deficiency. Last evaluated: 2018-01-12. Review status: criteria provided, single submitter. Criteria: ICSL Variant Classification Criteria 13 December 2019. Collection method: clinical testing. Allele origin: germline.
Comment: This variant was observed in the ICSL laboratory as part of a predisposition screen in an ostensibly healthy population. It had not been previously curated by ICSL or reported in the Human Gene Mutation Database (HGMD: prior to June 1st, 2018), and was therefore a candidate for classification through an automated scoring system. Utilizing variant allele frequency, disease prevalence and penetrance estimates, and inheritance mode, an automated score was calculated to assess if this variant is too frequent to cause the disease. Based on the score and internal cut-off values, a variant classified as likely benign is not then subjected to further curation. The score for this variant resulted in a classification of likely benign for this disease.